The following is an entry in ClinVar:

ClinVar aggregate classification (germline): Uncertain significance (1 of 4 stars; one submission).

Submission:

GeneDx
Classification: Uncertain significance. Last evaluated: 2025-01-07. Review status: criteria provided, single submitter. Criteria: GeneDx Variant Classification Process June 2021. Collection method: clinical testing. Allele origin: germline. Affected: yes.
Comment: Not observed at significant frequency in large population cohorts (gnomAD); In silico analysis supports that this missense variant has a deleterious effect on protein structure/function; Has not been previously published as pathogenic or benign to our knowledge

NM_001205293.3(CACNA1E):c.4823C>T (p.Pro1608Leu)

Gene: CACNA1E (calcium voltage-gated channel subunit alpha1 E; plus strand). Cytogenetic location: 1q25.3.
Variant type: single nucleotide variant.
Coding change: c.4823C>T on transcript NM_001205293.3 (MANE Select); coding-DNA position 4823, C replaced by T.
Protein change: p.Pro1608Leu; replaces proline 1608 with leucine.
Molecular consequence: missense variant.
Genome position (GRCh38, 1-based): chr1:181,766,553, C>T. VCF-style: chr1-181766553-C-T. GRCh37 (hg19) VCF-style: chr1-181735689-C-T.
Other names: c.4823C>T, p.Pro1608Leu (NM_000721.4); c.4766C>T, p.Pro1589Leu (NM_001205294.2); short protein forms P1589L, P1608L.
Identifiers: ClinVar variation 4056012 (VCV004056012.1).